The following is an entry in ClinVar:

ClinVar aggregate classification (germline): Uncertain significance (1 of 4 stars; one submission).

gnomAD v4.1: 23 of 1,612,578 alleles (0.0014%); highest among the groups gnomAD compares: East Asian, 0.0067%; 1 homozygote.

Submission:

Labcorp Genetics (formerly Invitae), Labcorp
Classification: Uncertain significance. Last evaluated: 2025-07-08. Review status: criteria provided, single submitter. Criteria: Invitae Variant Classification Sherloc (09022015). Collection method: clinical testing. Allele origin: germline.
Comment: This sequence change replaces proline, which is neutral and non-polar, with leucine, which is neutral and non-polar, at codon 560 of the DLL4 protein (p.Pro560Leu). This variant is present in population databases (rs750957641, gnomAD 0.007%). This variant has not been reported in the literature in individuals affected with DLL4-related conditions. Invitae Evidence Modeling of protein sequence and biophysical properties (such as structural, functional, and spatial information, amino acid conservation, physicochemical variation, residue mobility, and thermodynamic stability) indicates that this missense variant is not expected to disrupt DLL4 protein function with a negative predictive value of 80%. In summary, the available evidence is currently insufficient to determine the role of this variant in disease. Therefore, it has been classified as a Variant of Uncertain Significance.

NM_019074.4(DLL4):c.1679C>T (p.Pro560Leu)

Gene: DLL4 (delta like canonical Notch ligand 4; plus strand). Cytogenetic location: 15q15.1.
Variant type: single nucleotide variant.
Coding change: c.1679C>T on transcript NM_019074.4 (MANE Select); coding-DNA position 1679, C replaced by T.
Protein change: p.Pro560Leu; replaces proline 560 with leucine.
Molecular consequence: missense variant.
Genome position (GRCh38, 1-based): chr15:40,936,666, C>T. VCF-style: chr15-40936666-C-T. GRCh37 (hg19) VCF-style: chr15-41228864-C-T.
Other names: short protein forms P560L.
Identifiers: ClinVar variation 4751312 (VCV004751312.1).